The following is an entry in ClinVar:

ClinVar aggregate classification (germline): Uncertain significance (1 of 4 stars; one submission).

Submission:

Labcorp Genetics (formerly Invitae), Labcorp
Classification: Uncertain significance. Last evaluated: 2023-07-22. Review status: criteria provided, single submitter. Criteria: Invitae Variant Classification Sherloc (09022015). Collection method: clinical testing. Allele origin: germline.
Comment: In summary, the available evidence is currently insufficient to determine the role of this variant in disease. Therefore, it has been classified as a Variant of Uncertain Significance. An algorithm developed to predict the effect of missense changes on protein structure and function (PolyPhen-2) suggests that this variant is likely to be disruptive. This variant has not been reported in the literature in individuals affected with ALPK3-related conditions. This variant is not present in population databases (gnomAD no frequency). This sequence change replaces serine, which is neutral and polar, with phenylalanine, which is neutral and non-polar, at codon 1846 of the ALPK3 protein (p.Ser1846Phe).

NM_020778.5(ALPK3):c.4931C>T (p.Ser1644Phe)

Gene: ALPK3 (alpha kinase 3; plus strand). Cytogenetic location: 15q25.3.
Variant type: single nucleotide variant.
Coding change: c.4931C>T on transcript NM_020778.5 (MANE Select); coding-DNA position 4931, C replaced by T.
Protein change: p.Ser1644Phe; replaces serine 1644 with phenylalanine.
Molecular consequence: missense variant.
Genome position (GRCh38, 1-based): chr15:84,868,269, C>T. VCF-style: chr15-84868269-C-T. GRCh37 (hg19) VCF-style: chr15-85411500-C-T.
Other names: short protein forms S1644F.
Identifiers: ClinVar variation 2745951 (VCV002745951.3), dbSNP rs2505733535, ClinGen allele CA393365929.